The following is an entry in ClinVar:

NM_022132.5(MCCC2):c.904-12A>G

Gene: MCCC2 (methylcrotonyl-CoA carboxylase subunit 2; plus strand). Cytogenetic location: 5q13.2.
Variant type: single nucleotide variant.
Coding change: c.904-12A>G on transcript NM_022132.5 (MANE Select); 12 bases into the intron before coding-DNA position 904, A replaced by G.
Molecular consequence: intron variant.
Genome position (GRCh38, 1-based): chr5:71,635,139, A>G. VCF-style: chr5-71635139-A-G. GRCh37 (hg19) VCF-style: chr5-70930966-A-G.
Other names: c.790-12A>G (NM_001363147.1).
Identifiers: ClinVar variation 96032 (VCV000096032.27), dbSNP rs277984, ClinGen allele CA149171.

ClinVar aggregate classification (germline): Benign. Review status: criteria provided, multiple submitters, no conflicts (2 of 4 stars). 11 submissions from 11 submitters: Benign (9). 2 of the submissions do not count toward it. Last evaluated 2026-02-04.

Conditions:
3-methylcrotonyl-CoA carboxylase 2 deficiency. Also called: METHYLCROTONYLGLYCINURIA, TYPE II; 3 alpha methylcrotonyl-CoA carboxylase 2 deficiency; 3 alpha methylcrotonylglycinuria 2; MCC 2 deficiency; Methylcrotonylglycinuria type 2. Identifiers: Orphanet 6, MedGen C1859499, MONDO:0008862, OMIM 210210.

Allele frequency attached by ClinVar (database versions not stated): ESP Exome Variant Server 0.28887; gnomAD 0.30658 and 0.31326; 1000 Genomes Project 30x 0.32589; TOPMed 0.32773; 1000 Genomes Project 0.33007; ExAC 0.36733; gnomAD exomes 0.38346.
gnomAD v4.1: 573,871 of 1,613,564 alleles (36%); highest among the groups gnomAD compares: Admixed American, 59%; 107,469 homozygotes.

Submissions (11):

Labcorp Genetics (formerly Invitae), Labcorp
Classification: Benign for 3-methylcrotonyl-CoA carboxylase 2 deficiency. Last evaluated: 2026-02-04. Review status: criteria provided, single submitter. Criteria: Invitae Variant Classification Sherloc (09022015). Collection method: clinical testing. Allele origin: germline.

Women's Health and Genetics/Laboratory Corporation of America, LabCorp
Classification: Benign. Last evaluated: 2025-07-24. Review status: criteria provided, single submitter. Criteria: LabCorp Variant Classification Summary - May 2015. Collection method: clinical testing. Allele origin: germline.

Blueprint Genetics
Classification: Benign. Last evaluated: 2024-11-26. Review status: criteria provided, single submitter. Criteria: ACMG Guidelines, 2015. Collection method: clinical testing. Allele origin: germline.

Pars Genome Lab
Classification: Benign for 3-methylcrotonyl-CoA carboxylase 2 deficiency. Last evaluated: 2021-06-19. Review status: criteria provided, single submitter. Criteria: ACMG Guidelines, 2015. Collection method: clinical testing. Allele origin: germline. Affected: no.

Illumina Laboratory Services, Illumina
Classification: Benign for 3-methylcrotonyl-CoA carboxylase 2 deficiency. Last evaluated: 2018-01-12. Review status: criteria provided, single submitter. Criteria: ICSL Variant Classification Criteria 13 December 2019. Collection method: clinical testing. Allele origin: germline.
Comment: This variant was observed in the ICSL laboratory as part of a predisposition screen in an ostensibly healthy population. It had not been previously curated by ICSL or reported in the Human Gene Mutation Database (HGMD: prior to June 1st, 2018), and was therefore a candidate for classification through an automated scoring system. Utilizing variant allele frequency, disease prevalence and penetrance estimates, and inheritance mode, an automated score was calculated to assess if this variant is too frequent to cause the disease. Based on the score and internal cut-off values, a variant classified as benign is not then subjected to further curation. The score for this variant resulted in a classification of benign for this disease.

GeneDx
Classification: Benign. Last evaluated: 2015-03-03. Review status: criteria provided, single submitter. Criteria: GeneDx Variant Classification Process June 2021. Collection method: clinical testing. Allele origin: germline. Affected: yes.

Eurofins Ntd Llc (ga)
Classification: Benign. Last evaluated: 2014-11-10. Review status: criteria provided, single submitter. Criteria: EGL Classification Definitions 2015. Collection method: clinical testing. Allele origin: germline. Observed: 32 variant alleles, 24 heterozygotes, 8 homozygotes.

Breakthrough Genomics
Classification: Benign. Review status: criteria provided, single submitter. Criteria: ACMG Guidelines, 2015. Collection method: not provided. Allele origin: germline. Inheritance: Autosomal recessive inheritance. Affected: yes.

PreventionGenetics, part of Exact Sciences
Classification: Benign. Review status: criteria provided, single submitter. Criteria: ACMG Guidelines, 2015. Collection method: clinical testing. Allele origin: germline.

Diagnostic Laboratory, Department of Genetics, University Medical Center Groningen
Classification: Benign. Review status: no assertion criteria provided. Collection method: clinical testing. Allele origin: germline. Affected: yes. Study: VKGL Data-share Consensus. Not counted in ClinVar's aggregate classification.

Joint Genome Diagnostic Labs from Nijmegen and Maastricht, Radboudumc and MUMC+
Classification: Benign. Review status: no assertion criteria provided. Collection method: clinical testing. Allele origin: germline. Affected: yes. Study: VKGL Data-share Consensus. Not counted in ClinVar's aggregate classification.